The following is an entry in ClinVar:

NM_003001.5(SDHC):c.80C>T (p.Ala27Val)

Gene: SDHC (succinate dehydrogenase complex subunit C; plus strand). Cytogenetic location: 1q23.3.
Variant type: single nucleotide variant.
Coding change: c.80C>T on transcript NM_003001.5 (MANE Select); coding-DNA position 80, C replaced by T.
Protein change: p.Ala27Val; replaces alanine 27 with valine.
Molecular consequence: missense variant. On other transcripts: 5 prime UTR variant (2), non-coding transcript variant (1), intron variant (4).
Genome position (GRCh38, 1-based): chr1:161,328,398, C>T. VCF-style: chr1-161328398-C-T. GRCh37 (hg19) VCF-style: chr1-161298188-C-T.
Other names: c.80C>T, p.Ala27Val (NM_001035511.3, NM_001407115.1); c.23C>T, p.Ala8Val (NM_001407116.1, NM_001407117.1, NM_001407121.1); c.-32C>T (NM_001407119.1, NM_001407120.1); c.77+4728C>T (NM_001035512.3, NM_001278172.3, NM_001407118.1); c.21-12196C>T (NM_001035513.3); short protein forms A27V, A8V.
Identifiers: ClinVar variation 2942866 (VCV002942866.4), dbSNP rs2102307553, ClinGen allele CA343360823.

ClinVar aggregate classification (germline): Uncertain significance. Review status: criteria provided, multiple submitters, no conflicts (2 of 4 stars). 2 submissions from 2 submitters: Uncertain significance (2). Last evaluated 2026-07-06.

Conditions:
Hereditary cancer-predisposing syndrome. Also called: Hereditary Cancer Syndrome; Hereditary neoplastic syndrome; Neoplastic Syndromes, Hereditary; Tumor predisposition. Identifiers: Orphanet 140162, MedGen C0027672, MeSH D009386, MONDO:0015356.
Gastrointestinal stromal tumor. Also called: Gastrointestinal stromal tumor, somatic; Gastrointestinal stroma tumor. Identifiers: Orphanet 44890, MedGen C0238198, MeSH D046152, MONDO:0011719, OMIM 606764, HP:0100723.
Pheochromocytoma/paraganglioma syndrome 3. Also called: GLOMUS TUMORS, FAMILIAL, 3; Paragangliomas 3; SDHC-Related Hereditary Paraganglioma-Pheochromocytoma Syndrome (Paragangliomas 3); SDHC-Related Hereditary Paraganglioma-Pheochromocytoma Syndrome. Identifiers: Orphanet 29072, MedGen C1854336, MONDO:0011544, OMIM 605373.

Submissions (2):

Ambry Genetics
Classification: Uncertain significance for Hereditary cancer-predisposing syndrome. Last evaluated: 2026-07-06. Review status: criteria provided, single submitter. Criteria: Ambry Variant Classification Scheme 2023. Collection method: clinical testing. Allele origin: germline.
Comment: The p.A27V variant (also known as c.80C>T), located in coding exon 3 of the SDHC gene, results from a C to T substitution at nucleotide position 80. The alanine at codon 27 is replaced by valine, an amino acid with similar properties. This amino acid position is conserved. In addition, the in silico prediction for this alteration is inconclusive. Based on the available evidence, the clinical significance of this variant remains unclear.

Labcorp Genetics (formerly Invitae), Labcorp
Classification: Uncertain significance for Pheochromocytoma/paraganglioma syndrome 3; Gastrointestinal stromal tumor. Last evaluated: 2023-05-05. Review status: criteria provided, single submitter. Criteria: Invitae Variant Classification Sherloc (09022015). Collection method: clinical testing. Allele origin: germline.
Comment: In summary, the available evidence is currently insufficient to determine the role of this variant in disease. Therefore, it has been classified as a Variant of Uncertain Significance. An algorithm developed to predict the effect of missense changes on protein structure and function (PolyPhen-2) suggests that this variant is likely to be tolerated. This variant has not been reported in the literature in individuals affected with SDHC-related conditions. This variant is not present in population databases (gnomAD no frequency). This sequence change replaces alanine, which is neutral and non-polar, with valine, which is neutral and non-polar, at codon 27 of the SDHC protein (p.Ala27Val).